The following is an entry in ClinVar:

NM_001004334.4(GPR179):c.6928dup (p.Arg2310fs)

Gene: GPR179 (G protein-coupled receptor 179; minus strand). Cytogenetic location: 17q12.
Variant type: Duplication.
Coding change: c.6928dup on transcript NM_001004334.4 (MANE Select); coding-DNA position 6928, one base duplicated (A; older notation c.6928dupA).
Protein change: p.Arg2310fs; shifts the reading frame from arginine 2310.
Molecular consequence: frameshift variant.
Genome position (GRCh38, 1-based): chr17:38,326,641, T duplicated on the plus strand (A on the coding strand, the reverse complement: GPR179 is on the minus strand). VCF-style (leftmost placement, unchanged base first): chr17-38326640-C-CT. GRCh37 (hg19) VCF-style: chr17-36482523-C-CT.
Other names: short protein forms R2310fs.
Identifiers: ClinVar variation 1424033 (VCV001424033.6), dbSNP rs768895179, ClinGen allele CA290102738.

ClinVar aggregate classification (germline): Uncertain significance. Review status: criteria provided, multiple submitters, no conflicts (2 of 4 stars). 2 submissions from 2 submitters: Uncertain significance (2). Last evaluated 2024-10-15.

Allele frequency attached by ClinVar (database versions not stated): gnomAD 0.00002; gnomAD exomes 0.00002 and 0.00004; TOPMed 0.00003; ExAC 0.00006.

Submissions (2):

Blueprint Genetics
Classification: Uncertain significance. Last evaluated: 2024-10-15. Review status: criteria provided, single submitter. Criteria: ACMG Guidelines, 2015. Collection method: clinical testing. Allele origin: germline.

Labcorp Genetics (formerly Invitae), Labcorp
Classification: Uncertain significance. Last evaluated: 2024-01-08. Review status: criteria provided, single submitter. Criteria: Invitae Variant Classification Sherloc (09022015). Collection method: clinical testing. Allele origin: germline.
Comment: This sequence change creates a premature translational stop signal (p.Arg2310Lysfs*10) in the GPR179 gene. While this is not anticipated to result in nonsense mediated decay, it is expected to disrupt the last 58 amino acid(s) of the GPR179 protein. This variant is present in population databases (rs768895179, gnomAD 0.03%). This premature translational stop signal has been observed in individual(s) with clinical features of inherited retinal dystrophy (PMID: 36460718). ClinVar contains an entry for this variant (Variation ID: 1424033). Experimental studies and prediction algorithms are not available or were not evaluated, and the functional significance of this variant is currently unknown. In summary, the available evidence is currently insufficient to determine the role of this variant in disease. Therefore, it has been classified as a Variant of Uncertain Significance.

Literature cited by the submitters: PubMed 36460718 (cited by Labcorp Genetics (formerly Invitae), Labcorp).